The following is an entry in ClinVar:

NM_020778.5(ALPK3):c.1501del (p.Ser501fs)

Genes: ALPK3 (alpha kinase 3; plus strand), LOC111718493 (skeletal muscle cis-regulatory module overlapping ALPK3; plus strand). Cytogenetic location: 15q25.3.
Variant type: Deletion.
Coding change: c.1501del on transcript NM_020778.5 (MANE Select); coding-DNA position 1501, one base deleted (T; older notation c.1501delT).
Protein change: p.Ser501fs; shifts the reading frame from serine 501.
Molecular consequence: frameshift variant.
Genome position (GRCh38, 1-based): chr15:84,840,780, T deleted; the last of 2 consecutive T bases (chr15:84,840,779-84,840,780); deleting either gives the same sequence. VCF-style (leftmost placement, unchanged base first): chr15-84840778-CT-C. GRCh37 (hg19) VCF-style: chr15-85384009-CT-C.
Other names: short protein forms S501fs.
Identifiers: ClinVar variation 1299516 (VCV001299516.1), dbSNP rs2141557313, ClinGen allele CA2499223115.

ClinVar aggregate classification (germline): Likely pathogenic (1 of 4 stars; one submission).

Conditions:
Cardiomyopathy, familial hypertrophic 27. Identifiers: MedGen C4748014, MONDO:0054838, OMIM 618052.

Submission:

Laboratory of Medical Genetics, National & Kapodistrian University of Athens
Classification: Likely pathogenic for Cardiomyopathy, familial hypertrophic 27. Last evaluated: 2021-10-01. Review status: criteria provided, single submitter. Criteria: ACMG Guidelines, 2015. Collection method: clinical testing. Allele origin: unknown. Affected: yes.
Comment: PVS1, PM2